The following is an entry in ClinVar:

NM_022367.4(SEMA4A):c.1222_1225del (p.Leu407_Leu408insTer)

Gene: SEMA4A (semaphorin 4A; plus strand). Cytogenetic location: 1q22.
Variant type: Deletion.
Coding change: c.1222_1225del on transcript NM_022367.4 (MANE Select); coding-DNA positions 1222 to 1225, 4 bases deleted (CTGG; older notation c.1222_1225delCTGG).
Protein change: p.Leu407_Leu408insTer.
Molecular consequence: nonsense.
Genome position (GRCh38, 1-based): chr1:156,172,913-156,172,916, CTGG deleted; deleting any 4 consecutive bases within chr1:156,172,912-156,172,916 gives the same sequence; the c. name uses the placement nearest the transcript's 3' end. VCF-style (leftmost placement, unchanged base first): chr1-156172911-TGCTG-T. GRCh37 (hg19) VCF-style: chr1-156142702-TGCTG-T.
Other names: c.1222_1225del, p.Leu407_Leu408insTer (NM_001193300.2, NM_001193301.2, NM_001370567.1); c.826_829del, p.Leu275_Leu276insTer (NM_001193302.2); c.925_928del, p.Leu308_Leu309insTer (NM_001370568.1); c.715_718del, p.Leu238_Leu239insTer (NM_001370569.1, NM_001370571.1).
Identifiers: ClinVar variation 1412202 (VCV001412202.6), dbSNP rs2103001544, ClinGen allele CA2573131129.

ClinVar aggregate classification (germline): Uncertain significance (1 of 4 stars; one submission).

Submission:

Labcorp Genetics (formerly Invitae), Labcorp
Classification: Uncertain significance. Last evaluated: 2023-11-27. Review status: criteria provided, single submitter. Criteria: Invitae Variant Classification Sherloc (09022015). Collection method: clinical testing. Allele origin: germline.
Comment: This sequence change creates a premature translational stop signal (p.Leu408*) in the SEMA4A gene. It is expected to result in an absent or disrupted protein product. However, the current clinical and genetic evidence is not sufficient to establish whether loss-of-function variants in SEMA4A cause disease. This variant is not present in population databases (gnomAD no frequency). This variant has not been reported in the literature in individuals affected with SEMA4A-related conditions. ClinVar contains an entry for this variant (Variation ID: 1412202). In summary, the available evidence is currently insufficient to determine the role of this variant in disease. Therefore, it has been classified as a Variant of Uncertain Significance.